The following is an entry in ClinVar:

NM_000918.4(P4HB):c.152C>T (p.Pro51Leu)

Gene: P4HB (prolyl 4-hydroxylase subunit beta; minus strand). Cytogenetic location: 17q25.3.
Variant type: single nucleotide variant.
Coding change: c.152C>T on transcript NM_000918.4 (MANE Select); coding-DNA position 152, C replaced by T.
Protein change: p.Pro51Leu; replaces proline 51 with leucine.
Molecular consequence: missense variant.
Genome position (GRCh38, 1-based): chr17:81,859,381, G>A on the plus strand (C>T on the coding strand, the complement: P4HB is on the minus strand). VCF-style: chr17-81859381-G-A. GRCh37 (hg19) VCF-style: chr17-79817257-G-A.
Other names: short protein forms P51L.
Identifiers: ClinVar variation 3303837 (VCV003303837.2).

ClinVar aggregate classification (germline): Uncertain significance. Review status: criteria provided, multiple submitters, no conflicts (2 of 4 stars). 2 submissions from 2 submitters: Uncertain significance (2). Last evaluated 2024-09-23.

Conditions:
Inborn genetic diseases. Identifiers: MedGen C0950123, MeSH D030342.

gnomAD v4.1: 6 of 1,612,492 alleles (0.00037%); highest among the groups gnomAD compares: Non-Finnish European, 0.00051%; no homozygotes.

Submissions (2):

GeneDx
Classification: Uncertain significance. Last evaluated: 2024-09-23. Review status: criteria provided, single submitter. Criteria: GeneDx Variant Classification Process June 2021. Collection method: clinical testing. Allele origin: germline. Affected: yes.
Comment: In silico analysis supports that this missense variant has a deleterious effect on protein structure/function; Has not been previously published as pathogenic or benign to our knowledge

Ambry Genetics
Classification: Uncertain significance for Inborn genetic diseases. Last evaluated: 2024-03-28. Review status: criteria provided, single submitter. Criteria: Ambry Variant Classification Scheme 2023. Collection method: clinical testing. Allele origin: germline.